The following is an entry in ClinVar:

ClinVar aggregate classification (germline): Pathogenic (1 of 4 stars; one submission).

Conditions:
Fetal anomalies with a likely genetic cause.

Submission:

Genetics Laboratory, Great Ormond Street Hospital NHS Foundation Trust, North Thames Genomic Laboratory Hub
Classification: Pathogenic for Fetal anomalies with a likely genetic cause. Last evaluated: 2026-07-15. Review status: criteria provided, single submitter. Criteria: ACGS Best Practice Guidelines for Variant Classification in Rare Disease 2024 v1.2. Collection method: clinical testing. Allele origin: germline. Affected: yes.
Comment: PM2_moderate, PVS1_very-strong

NM_001277115.2(DNAH11):c.12745G>T (p.Glu4249Ter)

Gene: DNAH11 (dynein axonemal heavy chain 11; plus strand). Cytogenetic location: 7p15.3.
Variant type: single nucleotide variant.
Coding change: c.12745G>T on transcript NM_001277115.2 (MANE Select); coding-DNA position 12745, G replaced by T.
Protein change: p.Glu4249Ter; replaces glutamic acid 4249 with a stop codon.
Molecular consequence: nonsense.
Genome position (GRCh38, 1-based): chr7:21,892,662, G>T. VCF-style: chr7-21892662-G-T. GRCh37 (hg19) VCF-style: chr7-21932280-G-T.
Other names: short protein forms E4249*.
Identifiers: ClinVar variation 4890847 (VCV004890847.1).
Genomic context (GRCh38, chr7:21,892,662, plus strand): 5'-TTGCTGGAGATGCAGCCCAGGAATGCACTCAGTGGTGATGAACTGGGGCAGTCTACAGAA[G>T]AAAAGGTAGAGGGTCTTTCCTTCCTTTTCTTTTTCATTGAAGTATAACTTACTTGTACTG-3'